The following is an entry in ClinVar:

NM_001023.4(RPS20):c.4-17C>T

Gene: RPS20 (ribosomal protein S20; minus strand). Cytogenetic location: 8q12.1.
Variant type: single nucleotide variant.
Coding change: c.4-17C>T on transcript NM_001023.4 (MANE Select); 17 bases into the intron before coding-DNA position 4, C replaced by T.
Molecular consequence: intron variant.
Genome position (GRCh38, 1-based): chr8:56,074,176, G>A on the plus strand (C>T on the coding strand, the complement: RPS20 is on the minus strand). VCF-style: chr8-56074176-G-A. GRCh37 (hg19) VCF-style: chr8-56986735-G-A.
Other names: c.4-17C>T (NM_001146227.3).
Identifiers: ClinVar variation 4743041 (VCV004743041.2).

ClinVar aggregate classification (germline): Likely benign. Review status: criteria provided, multiple submitters, no conflicts (2 of 4 stars). 2 submissions from 2 submitters: Likely benign (2). Last evaluated 2026-07-31.

Conditions:
Familial colorectal cancer type X. Identifiers: Orphanet 440437, MedGen C3896578, MONDO:0018604.

gnomAD v4.1: 5 of 1,601,476 alleles (0.00031%); highest among the groups gnomAD compares: Admixed American, 0.005%; no homozygotes.

Submissions (2):

Myriad Genetics, Inc.
Classification: Likely benign for Familial colorectal cancer type X. Last evaluated: 2026-07-31. Review status: criteria provided, single submitter. Criteria: Myriad Autosomal Dominant, Autosomal Recessive and X-Linked Classification Criteria (2023). Collection method: clinical testing. Allele origin: unknown.
Comment: This variant is considered likely benign. This variant is intronic and is not expected to impact mRNA splicing.

Labcorp Genetics (formerly Invitae), Labcorp
Classification: Likely benign. Last evaluated: 2025-10-05. Review status: criteria provided, single submitter. Criteria: Invitae Variant Classification Sherloc (09022015). Collection method: clinical testing. Allele origin: germline.